The following is an entry in ClinVar:

ClinVar aggregate classification (germline): Uncertain significance (1 of 4 stars; one submission).

Submission:

Labcorp Genetics (formerly Invitae), Labcorp
Classification: Uncertain significance. Last evaluated: 2024-12-17. Review status: criteria provided, single submitter. Criteria: Invitae Variant Classification Sherloc (09022015). Collection method: clinical testing. Allele origin: germline.
Comment: This sequence change replaces aspartic acid, which is acidic and polar, with glutamic acid, which is acidic and polar, at codon 230 of the SOX11 protein (p.Asp230Glu). This variant is not present in population databases (gnomAD no frequency). This variant has not been reported in the literature in individuals affected with SOX11-related conditions. Invitae Evidence Modeling of protein sequence and biophysical properties (such as structural, functional, and spatial information, amino acid conservation, physicochemical variation, residue mobility, and thermodynamic stability) indicates that this missense variant is not expected to disrupt SOX11 protein function with a negative predictive value of 95%. In summary, the available evidence is currently insufficient to determine the role of this variant in disease. Therefore, it has been classified as a Variant of Uncertain Significance.

NM_003108.4(SOX11):c.690C>G (p.Asp230Glu)

Gene: SOX11 (SRY-box transcription factor 11; plus strand). Cytogenetic location: 2p25.2.
Variant type: single nucleotide variant.
Coding change: c.690C>G on transcript NM_003108.4 (MANE Select); coding-DNA position 690, C replaced by G.
Protein change: p.Asp230Glu; replaces aspartic acid 230 with glutamic acid.
Molecular consequence: missense variant.
Genome position (GRCh38, 1-based): chr2:5,693,411, C>G. VCF-style: chr2-5693411-C-G. GRCh37 (hg19) VCF-style: chr2-5833543-C-G.
Other names: short protein forms D230E.
Identifiers: ClinVar variation 3676928 (VCV003676928.2).